The following is an entry in ClinVar:

ClinVar aggregate classification (germline): Uncertain significance (1 of 4 stars; one submission).

Allele frequency attached by ClinVar (database versions not stated): gnomAD exomes below 0.00001; TOPMed below 0.00001.

Submission:

Labcorp Genetics (formerly Invitae), Labcorp
Classification: Uncertain significance. Last evaluated: 2023-05-23. Review status: criteria provided, single submitter. Criteria: Invitae Variant Classification Sherloc (09022015). Collection method: clinical testing. Allele origin: germline.
Comment: In summary, the available evidence is currently insufficient to determine the role of this variant in disease. Therefore, it has been classified as a Variant of Uncertain Significance. Advanced modeling of protein sequence and biophysical properties (such as structural, functional, and spatial information, amino acid conservation, physicochemical variation, residue mobility, and thermodynamic stability) performed at Invitae indicates that this missense variant is not expected to disrupt RSPRY1 protein function. ClinVar contains an entry for this variant (Variation ID: 1367897). This variant has not been reported in the literature in individuals affected with RSPRY1-related conditions. This variant is not present in population databases (gnomAD no frequency). This sequence change replaces serine, which is neutral and polar, with glycine, which is neutral and non-polar, at codon 194 of the RSPRY1 protein (p.Ser194Gly).

NM_133368.3(RSPRY1):c.580A>G (p.Ser194Gly)

Gene: RSPRY1 (ring finger and SPRY domain containing 1; plus strand). Cytogenetic location: 16q13.
Variant type: single nucleotide variant.
Coding change: c.580A>G on transcript NM_133368.3 (MANE Select); coding-DNA position 580, A replaced by G.
Protein change: p.Ser194Gly; replaces serine 194 with glycine.
Molecular consequence: missense variant.
Genome position (GRCh38, 1-based): chr16:57,213,035, A>G. VCF-style: chr16-57213035-A-G. GRCh37 (hg19) VCF-style: chr16-57246947-A-G.
Other names: c.580A>G, p.Ser194Gly (NM_001305163.2, NM_001305164.2); short protein forms S194G.
Identifiers: ClinVar variation 1367897 (VCV001367897.6), dbSNP rs2074874602, ClinGen allele CA396013184.